The following is an entry in ClinVar:

ClinVar aggregate classification (germline): Likely benign. Review status: criteria provided, multiple submitters, no conflicts (2 of 4 stars). 2 submissions from 2 submitters: Likely benign (2). Last evaluated 2024-06-09.

Conditions:
Arrhythmogenic right ventricular dysplasia 10. Also called: Arrhythmogenic right ventricular dysplasia/cardiomyopathy, type 10; Arrhythmogenic Right Ventricular Dysplasia/Cardiomyopathy10; ARRHYTHMOGENIC RIGHT VENTRICULAR DYSPLASIA, FAMILIAL, 10. Identifiers: MedGen C1857777, MONDO:0012434, OMIM 610193.
Arrhythmogenic right ventricular cardiomyopathy (ARVD). Also called: Cardiomyopathy, ARVC; Arrhythmogenic right ventricular dysplasia; Arrhythmogenic cardiomyopathy; Arrhythmogenic Right Ventricular Cardiomyopathy (ARVC). Identifiers: Orphanet 247, MedGen C0349788, MeSH D019571, MONDO:0016587. Disease mechanism: loss of function. Inheritance: Various modes of inheritance.

Allele frequency attached by ClinVar (database versions not stated): gnomAD exomes below 0.00001; ExAC 0.00001; gnomAD 0.00001.
gnomAD v4.1: 3 of 1,613,734 alleles (0.00019%); highest among the groups gnomAD compares: East Asian, 0.0022%; no homozygotes.

Submissions (2):

All of Us Research Program, National Institutes of Health
Classification: Likely benign for Arrhythmogenic right ventricular cardiomyopathy. Last evaluated: 2024-06-09. Review status: criteria provided, single submitter. Criteria: ACMG Guidelines, 2015. Collection method: clinical testing. Allele origin: germline. Inheritance: Autosomal dominant inheritance. Observed: 1 variant allele, 1 heterozygote.
Comment: This study involves interpretation of variants in research participants for the purpose of population health screening. Participant phenotype was not available at the time of variant classification. Additional details can be found in publication PMID: 35346344, PMCID: PMC8962531

Labcorp Genetics (formerly Invitae), Labcorp
Classification: Likely benign for Arrhythmogenic right ventricular dysplasia 10. Last evaluated: 2021-10-24. Review status: criteria provided, single submitter. Criteria: Invitae Variant Classification Sherloc (09022015). Collection method: clinical testing. Allele origin: germline.

NM_001943.5(DSG2):c.426C>T (p.Pro142=)

Gene: DSG2 (desmoglein 2; plus strand). Cytogenetic location: 18q12.1.
Variant type: single nucleotide variant.
Coding change: c.426C>T on transcript NM_001943.5 (MANE Select); coding-DNA position 426, C replaced by T.
Protein change: p.Pro142=; no amino-acid change (proline 142 retained).
Molecular consequence: synonymous variant.
Genome position (GRCh38, 1-based): chr18:31,521,146, C>T. VCF-style: chr18-31521146-C-T. GRCh37 (hg19) VCF-style: chr18-29101109-C-T.
Identifiers: ClinVar variation 1595936 (VCV001595936.9), dbSNP rs772873493, ClinGen allele CA048711.
Genomic context (GRCh38, chr18:31,521,146, plus strand): 5'-GTCATGATTTCAGCTAACAGGTTACGCTTTGGATGCAAGAGGAAACAATGTAGAGAAACC[C>T]TTAGAGCTACGCATTAAGGTTCTTGATATCAATGACAACGAACCAGTGTTCACACAGGAT-3'
Protein context (NP_001934.2, residues 132-152): LDARGNNVEK[Pro142=]LELRIKVLDI